The following is an entry in ClinVar:

ClinVar aggregate classification (germline): Uncertain significance (1 of 4 stars; one submission).

Conditions:
Myopathy, proximal, and ophthalmoplegia (CMYO6). Also called: MYOPATHY WITH CONGENITAL JOINT CONTRACTURES, OPHTHALMOPLEGIA, AND RIMMED VACUOLES; INCLUSION BODY MYOPATHY 3, AUTOSOMAL DOMINANT; CONGENITAL MYOPATHY 6 WITH OPHTHALMOPLEGIA. Identifiers: Orphanet 363677, Orphanet 79091, MedGen C1854106, MONDO:0011577, OMIM 605637.

Submission:

Labcorp Genetics (formerly Invitae), Labcorp
Classification: Uncertain significance for Myopathy, proximal, and ophthalmoplegia. Last evaluated: 2022-05-21. Review status: criteria provided, single submitter. Criteria: Invitae Variant Classification Sherloc (09022015). Collection method: clinical testing. Allele origin: germline.
Comment: In summary, the available evidence is currently insufficient to determine the role of this variant in disease. Therefore, it has been classified as a Variant of Uncertain Significance. This variant has not been reported in the literature in individuals affected with MYH2-related conditions. This variant is a gross deletion of the genomic region encompassing exon(s) 24-40 of the MYH2 gene, which includes the termination codon. This deletion extends beyond the assayed region for this gene and therefore may encompass additional genes. While this deletion is not anticipated to lead to nonsense mediated decay, it is expected to alter mRNA translation or result in a truncated protein product.

NC_000017.10:g.(?_10424597)_(10433077_?)del

Gene: MYH2 (myosin heavy chain 2; minus strand). Cytogenetic location: 17p13.1.
Variant type: Deletion.
Identifiers: ClinVar variation 2426322 (VCV002426322.8).